The following is an entry in ClinVar:

ClinVar aggregate classification (germline): Pathogenic (1 of 4 stars; one submission).

Conditions:
Very long chain acyl-CoA dehydrogenase deficiency (ACADVLD). Also called: Very Long-Chain Acyl-Coenzyme A Dehydrogenase Deficiency; VLCAD Deficiency. Identifiers: Orphanet 26793, MedGen C3887523, MONDO:0008723, OMIM 201475.

gnomAD v4.1: 2 of 1,613,796 alleles (0.00012%); highest among the groups gnomAD compares: Non-Finnish European, 0.00017%; no homozygotes.

Submission:

Labcorp Genetics (formerly Invitae), Labcorp
Classification: Pathogenic for Very long chain acyl-CoA dehydrogenase deficiency. Last evaluated: 2025-12-30. Review status: criteria provided, single submitter. Criteria: Invitae Variant Classification Sherloc (09022015). Collection method: clinical testing. Allele origin: germline.
Comment: This sequence change affects a donor splice site in intron 16 of the ACADVL gene. It is expected to disrupt RNA splicing. Variants that disrupt the donor or acceptor splice site typically lead to a loss of protein function (PMID: 16199547), and loss-of-function variants in ACADVL are known to be pathogenic (PMID: 9973285, 11590124). This variant is not present in population databases (gnomAD no frequency). Disruption of this splice site has been observed in individual(s) with very long-chain acyl-CoA dehydrogenase deficiency (PMID: 24801231). ClinVar contains an entry for this variant (Variation ID: 2845416). Algorithms developed to predict the effect of sequence changes on RNA splicing suggest that this variant may disrupt the consensus splice site. For these reasons, this variant has been classified as Pathogenic.

Literature cited by the submitters: PubMed 16199547; PubMed 9973285; PubMed 11590124; PubMed 24801231.

NM_000018.4(ACADVL):c.1605+1G>A

Gene: ACADVL (acyl-CoA dehydrogenase very long chain; plus strand). Cytogenetic location: 17p13.1.
Variant type: single nucleotide variant.
Coding change: c.1605+1G>A on transcript NM_000018.4 (MANE Select); the canonical splice donor site of the intron after coding-DNA position 1605, G replaced by A.
Molecular consequence: splice donor variant.
Genome position (GRCh38, 1-based): chr17:7,224,394, G>A. VCF-style: chr17-7224394-G-A. GRCh37 (hg19) VCF-style: chr17-7127713-G-A.
Other names: c.1674+1G>A (NM_001270447.2); c.1377+1G>A (NM_001270448.2); c.1539+1G>A (NM_001033859.3).
Identifiers: ClinVar variation 2845416 (VCV002845416.3), dbSNP rs2142988018, ClinGen allele CA397725469.